The following is an entry in ClinVar:

ClinVar aggregate classification (germline): Conflicting classifications of pathogenicity. Review status: criteria provided, conflicting classifications (1 of 4 stars). 3 submissions from 3 submitters: Uncertain significance (2); Likely benign (1). Last evaluated 2025-10-27.

Conditions:
Hereditary cancer-predisposing syndrome. Also called: Hereditary neoplastic syndrome; Tumor predisposition; Hereditary Cancer Syndrome; Neoplastic Syndromes, Hereditary. Identifiers: Orphanet 140162, MedGen C0027672, MeSH D009386, MONDO:0015356.
POLD1-related polyposis and colorectal cancer syndrome (CRCS10). Also called: Colorectal cancer, susceptibility to, 10; Colorectal cancer 10; COLORECTAL CANCER, SUSCEPTIBILITY TO, ON CHROMOSOME 19q. Identifiers: Orphanet 220460, MedGen C2675481, MONDO:0012953, OMIM 612591.

Allele frequency attached by ClinVar (database versions not stated): gnomAD 0.00001; TOPMed 0.00001.
gnomAD v4.1: 10 of 1,593,008 alleles (0.00063%); highest among the groups gnomAD compares: African/African-American, 0.0054%; no homozygotes.

Submissions (3):

Labcorp Genetics (formerly Invitae), Labcorp
Classification: Uncertain significance for POLD1-related polyposis and colorectal cancer syndrome. Last evaluated: 2025-10-27. Review status: criteria provided, single submitter. Criteria: Invitae Variant Classification Sherloc (09022015). Collection method: clinical testing. Allele origin: germline.
Comment: This sequence change replaces arginine, which is basic and polar, with glutamine, which is neutral and polar, at codon 30 of the POLD1 protein (p.Arg30Gln). The frequency data for this variant in the population databases is considered unreliable, as metrics indicate poor data quality at this position in the gnomAD database. This variant has not been reported in the literature in individuals affected with POLD1-related conditions. ClinVar contains an entry for this variant (Variation ID: 661018). An algorithm developed to predict the effect of missense changes on protein structure and function outputs the following: PolyPhen-2: "Benign". The glutamine amino acid residue is found in multiple mammalian species, which suggests that this missense change does not adversely affect protein function. In summary, the available evidence is currently insufficient to determine the role of this variant in disease. Therefore, it has been classified as a Variant of Uncertain Significance.

GeneDx
Classification: Uncertain significance. Last evaluated: 2024-08-08. Review status: criteria provided, single submitter. Criteria: GeneDx Variant Classification Process June 2021. Collection method: clinical testing. Allele origin: germline. Affected: yes.
Comment: Not observed at significant frequency in large population cohorts (gnomAD); In silico analysis indicates that this missense variant does not alter protein structure/function; Has not been previously published as pathogenic or benign to our knowledge

Ambry Genetics
Classification: Likely benign for Hereditary cancer-predisposing syndrome. Last evaluated: 2021-07-16. Review status: criteria provided, single submitter. Criteria: Ambry Variant Classification Scheme 2023. Collection method: clinical testing. Allele origin: germline.

NM_002691.4(POLD1):c.89G>A (p.Arg30Gln)

Gene: POLD1 (DNA polymerase delta 1, catalytic subunit; plus strand). Cytogenetic location: 19q13.33.
Variant type: single nucleotide variant.
Coding change: c.89G>A on transcript NM_002691.4 (MANE Select); coding-DNA position 89, G replaced by A.
Protein change: p.Arg30Gln; replaces arginine 30 with glutamine.
Molecular consequence: missense variant. On other transcripts: non-coding transcript variant (1).
Genome position (GRCh38, 1-based): chr19:50,398,940, G>A. VCF-style: chr19-50398940-G-A. GRCh37 (hg19) VCF-style: chr19-50902197-G-A.
Other names: c.89G>A, p.Arg30Gln (NM_001256849.1, NM_001308632.1); short protein forms R30Q.
Identifiers: ClinVar variation 661018 (VCV000661018.12), dbSNP rs765969481, ClinGen allele CA406970114.